The following is an entry in ClinVar:

NM_001165963.4(SCN1A):c.3776dup (p.Thr1260fs)

Genes: SCN1A (sodium voltage-gated channel alpha subunit 1; minus strand), LOC102724058 (uncharacterized LOC102724058; plus strand). Cytogenetic location: 2q24.3.
Variant type: Duplication.
Coding change: c.3776dup on transcript NM_001165963.4 (MANE Select); coding-DNA position 3776, one base duplicated (T; older notation c.3776dupT).
Protein change: p.Thr1260fs; shifts the reading frame from threonine 1260.
Molecular consequence: frameshift variant. On other transcripts: non-coding transcript variant (1).
Genome position (GRCh38, 1-based): chr2:166,012,212, A duplicated on the plus strand (T on the coding strand, the reverse complement: SCN1A is on the minus strand); the first of 4 consecutive A bases (chr2:166,012,212-166,012,215); duplicating any one gives the same sequence. VCF-style (leftmost placement, unchanged base first): chr2-166012211-G-GA. GRCh37 (hg19) VCF-style: chr2-166868721-G-GA.
Other names: c.3692dup, p.Thr1232fs (NM_001165964.3, NM_001353957.2, NM_001353958.2); c.3776dup, p.Thr1260fs (NM_001202435.3, NM_001353948.2); c.3743dup, p.Thr1249fs (NM_001353949.2, NM_001353950.2, NM_001353951.2 and 2 more transcripts); c.3740dup, p.Thr1248fs (NM_001353954.2, NM_001353955.2); c.3689dup, p.Thr1231fs (NM_001353960.2); c.1334dup, p.Thr446fs (NM_001353961.2); short protein forms T1232fs, T1249fs, T446fs, T1260fs, T1248fs, T1231fs.
Identifiers: ClinVar variation 206911 (VCV000206911.1), dbSNP rs796053073, ClinGen allele CA317729.

ClinVar aggregate classification (germline): Pathogenic (1 of 4 stars; one submission).

Submission:

GeneDx
Classification: Pathogenic. Last evaluated: 2014-06-26. Review status: criteria provided, single submitter. Criteria: GeneDx Variant Classification (06012015). Collection method: clinical testing. Allele origin: germline. Affected: yes.
Comment: c.3776dupT: p.Thr1260HisfsX34 (T1260HfsX34) in exon 19 of the SCN1A gene (NM_001165963.1). The normal sequence with the base that is duplicated in braces is: GTTT{T}CACT. The c.3776dupT mutation in the SCN1A gene causes a frameshift starting with codon Threonine 1260, changes this amino acid to a Histidine residue and creates a premature Stop codon at position 34 of the new reading frame, denoted p.Thr1260HisfsX34. This mutation is predicted to cause loss of normal protein function either through protein truncation or nonsense-mediated mRNA decay. Although this mutation has not been previously reported to our knowledge, other truncating mutations in this region of the SCN1A gene have been reported in association with SCN1A-related disorders. Therefore, the presence of c.3776dupT is consistent with a diagnosis of a SCN1A-related disorder. The variant is found in EPILEPSY panel(s).